The following is an entry in ClinVar:

NM_018192.4(P3H2):c.292C>T (p.Pro98Ser)

Genes: P3H2 (prolyl 3-hydroxylase 2; minus strand), LOC129938149 (ATAC-STARR-seq lymphoblastoid silent region 14999; plus strand). Cytogenetic location: 3q28.
Variant type: single nucleotide variant.
Coding change: c.292C>T on transcript NM_018192.4 (MANE Select); coding-DNA position 292, C replaced by T.
Protein change: p.Pro98Ser; replaces proline 98 with serine.
Molecular consequence: missense variant. On other transcripts: intron variant (1).
Genome position (GRCh38, 1-based): chr3:190,120,440, G>A on the plus strand (C>T on the coding strand, the complement: P3H2 is on the minus strand). VCF-style: chr3-190120440-G-A. GRCh37 (hg19) VCF-style: chr3-189838229-G-A.
Other names: c.292C>T (NM_018192.3); c.-64+1763C>T (NM_001134418.2); short protein forms P98S.
Identifiers: ClinVar variation 2115048 (VCV002115048.5), dbSNP rs781602973, ClinGen allele CA2753399.
Genomic context (GRCh38, chr3:190,120,440, plus strand): 5'-GCGCCCGCCCCAACAAGGAGCGGAAAAGGGGCAGCTCAGCGCCGGGGCCCTCGCCGGGGG[G>A]CGGGGGCGGGAGCGGGTGGCGCGCCGCGCAGTGGCGGGCACAGCGCGTGCGGATTTCCCG-3'
Protein context (NP_060662.2, residues 88-108): CAARHPLPPP[Pro98Ser]PGEGPGAELP

ClinVar aggregate classification (germline): Uncertain significance. Review status: criteria provided, multiple submitters, no conflicts (2 of 4 stars). 2 submissions from 2 submitters: Uncertain significance (2). Last evaluated 2024-11-05.

Conditions:
P3H2-related disorder. Also called: P3H2-related condition.

Submissions (2):

Labcorp Genetics (formerly Invitae), Labcorp
Classification: Uncertain significance. Last evaluated: 2024-11-05. Review status: criteria provided, single submitter. Criteria: Invitae Variant Classification Sherloc (09022015). Collection method: clinical testing. Allele origin: germline.
Comment: This sequence change replaces proline, which is neutral and non-polar, with serine, which is neutral and polar, at codon 98 of the P3H2 protein (p.Pro98Ser). This variant is not present in population databases (gnomAD no frequency). This variant has not been reported in the literature in individuals affected with P3H2-related conditions. ClinVar contains an entry for this variant (Variation ID: 2115048). An algorithm developed to predict the effect of missense changes on protein structure and function (PolyPhen-2) suggests that this variant is likely to be tolerated. In summary, the available evidence is currently insufficient to determine the role of this variant in disease. Therefore, it has been classified as a Variant of Uncertain Significance.

PreventionGenetics, part of Exact Sciences
Classification: Uncertain significance for P3H2-related condition. Last evaluated: 2023-04-13. Review status: criteria provided, single submitter. Criteria: ACMG Guidelines, 2015. Collection method: clinical testing. Allele origin: germline.
Comment: The P3H2 c.292C>T variant is predicted to result in the amino acid substitution p.Pro98Ser. To our knowledge, this variant has not been reported in the literature or in a large population database, indicating this variant is rare. At this time, the clinical significance of this variant is uncertain due to the absence of conclusive functional and genetic evidence.